The following is an entry in ClinVar:

ClinVar aggregate classification (germline): Conflicting classifications of pathogenicity. Review status: criteria provided, conflicting classifications (1 of 4 stars). 5 submissions from 5 submitters: Uncertain significance (1); Likely benign (3). 1 of the submissions does not count toward it. Last evaluated 2025-10-23.

Conditions:
Inborn genetic diseases. Identifiers: MedGen C0950123, MeSH D030342.
MTMR2-related disorder. Also called: MTMR2-related condition.
Charcot-Marie-Tooth disease type 4B1. Also called: CHARCOT-MARIE-TOOTH DISEASE, AUTOSOMAL RECESSIVE, WITH FOCALLY FOLDED MYELIN SHEATHS, AUTOSOMAL RECESSIVE, TYPE 4B1; CHARCOT-MARIE-TOOTH DISEASE, TYPE 4B; Charcot-Marie-Tooth Neuropathy Type 4B1; CHARCOT-MARIE-TOOTH DISEASE, DEMYELINATING, TYPE 4B1. Identifiers: Orphanet 99955, MedGen C1832399, MONDO:0011066, OMIM 601382.
Charcot-Marie-Tooth disease type 4. Also called: Charcot-Marie-Tooth disease, type IV; Charcot-Marie-Tooth, Type 4. Identifiers: Orphanet 64749, MedGen C4082197, MONDO:0018995.

Allele frequency attached by ClinVar (database versions not stated): gnomAD 0.00006 and 0.00016; TOPMed 0.00009; 1000 Genomes Project 30x 0.00031; 1000 Genomes Project 0.00040.
gnomAD v4.1: 205 of 1,613,706 alleles (0.013%); highest among the groups gnomAD compares: East Asian, 0.11%; no homozygotes.

Submissions (5):

Labcorp Genetics (formerly Invitae), Labcorp
Classification: Likely benign for Charcot-Marie-Tooth disease type 4. Last evaluated: 2025-10-23. Review status: criteria provided, single submitter. Criteria: Invitae Variant Classification Sherloc (09022015). Collection method: clinical testing. Allele origin: germline.

Ambry Genetics
Classification: Likely benign for Inborn genetic diseases. Last evaluated: 2019-07-11. Review status: criteria provided, single submitter. Criteria: Ambry Variant Classification Scheme 2023. Collection method: clinical testing. Allele origin: germline.

Illumina Laboratory Services, Illumina
Classification: Uncertain significance for Charcot-Marie-Tooth disease type 4B1. Last evaluated: 2017-04-27. Review status: criteria provided, single submitter. Criteria: ICSL Variant Classification Criteria 13 December 2019. Collection method: clinical testing. Allele origin: germline.

GeneDx
Classification: Likely benign. Last evaluated: 2017-01-11. Review status: criteria provided, single submitter. Criteria: GeneDx Variant Classification (06012015). Collection method: clinical testing. Allele origin: germline. Affected: yes.
Comment: This variant is considered likely benign or benign based on one or more of the following criteria: it is a conservative change, it occurs at a poorly conserved position in the protein, it is predicted to be benign by multiple in silico algorithms, and/or has population frequency not consistent with disease.

PreventionGenetics, part of Exact Sciences
Classification: Likely benign for MTMR2-related condition. Last evaluated: 2023-12-14. Review status: no assertion criteria provided. Collection method: clinical testing. Allele origin: germline. Not counted in ClinVar's aggregate classification.
Comment: This variant is classified as likely benign based on ACMG/AMP sequence variant interpretation guidelines (Richards et al. 2015 PMID: 25741868, with internal and published modifications).

NM_016156.6(MTMR2):c.1431G>A (p.Ser477=)

Gene: MTMR2 (myotubularin related protein 2; minus strand). Cytogenetic location: 11q21.
Variant type: single nucleotide variant.
Coding change: c.1431G>A on transcript NM_016156.6 (MANE Select); coding-DNA position 1431, G replaced by A.
Protein change: p.Ser477=; no amino-acid change (serine 477 retained).
Molecular consequence: synonymous variant.
Genome position (GRCh38, 1-based): chr11:95,841,665, C>T on the plus strand (G>A on the coding strand, the complement: MTMR2 is on the minus strand). VCF-style: chr11-95841665-C-T. GRCh37 (hg19) VCF-style: chr11-95574829-C-T.
Other names: c.1215G>A, p.Ser405= (NM_001243571.2, NM_201278.3, NM_201281.3).
Identifiers: ClinVar variation 392709 (VCV000392709.17), dbSNP rs200285624, ClinGen allele CA6239993.